The following is an entry in ClinVar:

NM_001353345.2(SETD1B):c.2338C>T (p.Gln780Ter)

Gene: SETD1B (SET domain containing 1B, histone lysine methyltransferase; plus strand). Cytogenetic location: 12q24.31.
Variant type: single nucleotide variant.
Coding change: c.2338C>T on transcript NM_001353345.2 (MANE Select); coding-DNA position 2338, C replaced by T.
Protein change: p.Gln780Ter; replaces glutamine 780 with a stop codon.
Molecular consequence: nonsense.
Genome position (GRCh38, 1-based): chr12:121,814,553, C>T. VCF-style: chr12-121814553-C-T. GRCh37 (hg19) VCF-style: chr12-122252459-C-T.
Other names: short protein forms Q780*.
Identifiers: ClinVar variation 3358978 (VCV003358978.3).

ClinVar aggregate classification (germline): Pathogenic/Likely pathogenic. Review status: criteria provided, multiple submitters, no conflicts (2 of 4 stars). 2 submissions from 2 submitters: Pathogenic (1); Likely pathogenic (1). Last evaluated 2024-08-19.

Conditions:
Intellectual developmental disorder with seizures and language delay (IDDSELD). Identifiers: MedGen C5436574, MONDO:0033559, OMIM 619000.

Submissions (2):

Division of Genetic & Genomic Pathology, Hong Kong Children's Hospital
Classification: Likely pathogenic for Intellectual developmental disorder with seizures and language delay. Last evaluated: 2024-08-19. Review status: criteria provided, single submitter. Criteria: ACMG Guidelines, 2015. Collection method: clinical testing. Allele origin: germline. Affected: yes.
Comment: The nonsense SETD1B c.2338C>T variant creates a premature stop codon resulting in exon 7 (out of 16 coding exons), and is predicted to result in loss of protein function by nonsense-mediated mRNA decay. The variant is absent from control populations (gnomAD 4.1.0: 1,494,510 alleles) and has not been reported in human mutation database (ClinVar and HGMD Professional v2024.2). Multiple downstream pathogenic loss-of-function SETD1B variants have been reported (PMID: 34345025, 32546566). For these reasons, this variant is classified as likely pathogenic.

Institute of Human Genetics, University of Leipzig Medical Center
Classification: Pathogenic for Intellectual developmental disorder with seizures and language delay. Last evaluated: 2024-06-18. Review status: criteria provided, single submitter. Criteria: ACMG Guidelines, 2015. Collection method: clinical testing. Allele origin: unknown. Inheritance: Autosomal dominant inheritance. Affected: yes.
Comment: Criteria applied: PVS1,PM2

Literature cited by the submitters: PubMed 34345025 (cited by Division of Genetic & Genomic Pathology, Hong Kong Children's Hospital); PubMed 32546566 (cited by Division of Genetic & Genomic Pathology, Hong Kong Children's Hospital).